The following is an entry in ClinVar:

ClinVar aggregate classification (germline): Uncertain significance (1 of 4 stars; one submission).

Conditions:
Familial thoracic aortic aneurysm and aortic dissection (TAAD). Also called: Thoracic aortic aneurysms and dissections. Identifiers: Orphanet 91387, MedGen C4707243, MONDO:0019625.

Submission:

Ambry Genetics
Classification: Uncertain significance for Familial thoracic aortic aneurysm and aortic dissection. Last evaluated: 2025-03-14. Review status: criteria provided, single submitter. Criteria: Ambry Variant Classification Scheme 2023. Collection method: clinical testing. Allele origin: germline.
Comment: The p.P2517A variant (also known as c.7549C>G), located in coding exon 34 of the NOTCH1 gene, results from a C to G substitution at nucleotide position 7549. The proline at codon 2517 is replaced by alanine, an amino acid with highly similar properties. This amino acid position is conserved. In addition, the in silico prediction for this alteration is inconclusive. Based on the available evidence, the clinical significance of this variant remains unclear.

NM_017617.5(NOTCH1):c.7549C>G (p.Pro2517Ala)

Gene: NOTCH1 (notch receptor 1; minus strand). Cytogenetic location: 9q34.3.
Variant type: single nucleotide variant.
Coding change: c.7549C>G on transcript NM_017617.5 (MANE Select); coding-DNA position 7549, C replaced by G.
Protein change: p.Pro2517Ala; replaces proline 2517 with alanine.
Molecular consequence: missense variant.
Genome position (GRCh38, 1-based): chr9:136,496,190, G>C on the plus strand (C>G on the coding strand, the complement: NOTCH1 is on the minus strand). VCF-style: chr9-136496190-G-C. GRCh37 (hg19) VCF-style: chr9-139390642-G-C.
Other names: short protein forms P2517A.
Identifiers: ClinVar variation 3880503 (VCV003880503.1).